The following is an entry in ClinVar:

NM_000304.4(PMP22):c.407A>G (p.Tyr136Cys)

Gene: PMP22 (peripheral myelin protein 22; minus strand). Cytogenetic location: 17p12.
Variant type: single nucleotide variant.
Coding change: c.407A>G on transcript NM_000304.4 (MANE Select); coding-DNA position 407, A replaced by G.
Protein change: p.Tyr136Cys; replaces tyrosine 136 with cysteine.
Molecular consequence: missense variant. On other transcripts: non-coding transcript variant (2).
Genome position (GRCh38, 1-based): chr17:15,230,993, T>C on the plus strand (A>G on the coding strand, the complement: PMP22 is on the minus strand). VCF-style: chr17-15230993-T-C. GRCh37 (hg19) VCF-style: chr17-15134310-T-C.
Other names: c.407A>G, p.Tyr136Cys (NM_001281455.2, NM_001281456.2, NM_153321.3 and 1 more transcripts); short protein forms Y136C.
Identifiers: ClinVar variation 4721864 (VCV004721864.1).

ClinVar aggregate classification (germline): Uncertain significance (1 of 4 stars; one submission).

Conditions:
Charcot-Marie-Tooth disease, type I (CMT1). Also called: Charcot-Marie-Tooth, Type 1; Charcot-Marie-Tooth disease type 1. Identifiers: Orphanet 65753, MedGen C0751036, MONDO:0019011.

gnomAD v4.1: 1 of 1,614,170 alleles (0.000062%); highest among the groups gnomAD compares: Non-Finnish European, 0.000085%; no homozygotes.

Submission:

Labcorp Genetics (formerly Invitae), Labcorp
Classification: Uncertain significance for Charcot-Marie-Tooth disease, type I. Last evaluated: 2025-06-22. Review status: criteria provided, single submitter. Criteria: Invitae Variant Classification Sherloc (09022015). Collection method: clinical testing. Allele origin: germline.
Comment: This sequence change replaces tyrosine, which is neutral and polar, with cysteine, which is neutral and slightly polar, at codon 136 of the PMP22 protein (p.Tyr136Cys). This variant is not present in population databases (gnomAD no frequency). This variant has not been reported in the literature in individuals affected with PMP22-related conditions. An algorithm developed to predict the effect of missense changes on protein structure and function (PolyPhen-2) suggests that this variant is likely to be disruptive. In summary, the available evidence is currently insufficient to determine the role of this variant in disease. Therefore, it has been classified as a Variant of Uncertain Significance.